The following is an entry in ClinVar:

NM_000642.3(AGL):c.1405C>G (p.Arg469Gly)

Gene: AGL (amylo-alpha-1,6-glucosidase and 4-alpha-glucanotransferase; plus strand). Cytogenetic location: 1p21.2.
Variant type: single nucleotide variant.
Coding change: c.1405C>G on transcript NM_000642.3 (MANE Select); coding-DNA position 1405, C replaced by G.
Protein change: p.Arg469Gly; replaces arginine 469 with glycine.
Molecular consequence: missense variant.
Genome position (GRCh38, 1-based): chr1:99,876,579, C>G. VCF-style: chr1-99876579-C-G. GRCh37 (hg19) VCF-style: chr1-100342135-C-G.
Other names: c.1405C>G, p.Arg469Gly (NM_000028.3, NM_000643.3, NM_000644.3 and 2 more transcripts); c.1357C>G, p.Arg453Gly (NM_000646.3); c.1204C>G, p.Arg402Gly (NM_001425327.1); c.1201C>G, p.Arg401Gly (NM_001425328.1, NM_001425329.1); c.1027C>G, p.Arg343Gly (NM_001425332.1); short protein forms R453G, R469G, R343G, R401G, R402G.
Identifiers: ClinVar variation 1346499 (VCV001346499.4), dbSNP rs766536350, ClinGen allele CA966476.

ClinVar aggregate classification (germline): Uncertain significance (1 of 4 stars; one submission).

Conditions:
Glycogen storage disease type III (GSD3). Also called: Cori disease; FORBES DISEASE. Identifiers: Orphanet 366, MedGen C0017922, MONDO:0009291, OMIM 232400.

gnomAD v4.1: 70 of 1,613,824 alleles (0.0043%); highest among the groups gnomAD compares: South Asian, 0.077%; no homozygotes.

Submission:

Labcorp Genetics (formerly Invitae), Labcorp
Classification: Uncertain significance for Glycogen storage disease type III. Last evaluated: 2023-12-07. Review status: criteria provided, single submitter. Criteria: Invitae Variant Classification Sherloc (09022015). Collection method: clinical testing. Allele origin: germline.
Comment: This sequence change replaces arginine, which is basic and polar, with glycine, which is neutral and non-polar, at codon 469 of the AGL protein (p.Arg469Gly). This variant is present in population databases (rs766536350, gnomAD 0.08%). This variant has not been reported in the literature in individuals affected with AGL-related conditions. ClinVar contains an entry for this variant (Variation ID: 1346499). Advanced modeling of protein sequence and biophysical properties (such as structural, functional, and spatial information, amino acid conservation, physicochemical variation, residue mobility, and thermodynamic stability) performed at Invitae indicates that this missense variant is expected to disrupt AGL protein function with a positive predictive value of 80%. In summary, the available evidence is currently insufficient to determine the role of this variant in disease. Therefore, it has been classified as a Variant of Uncertain Significance.